The following is an entry in ClinVar:

NM_014974.3(DIP2C):c.223C>T (p.His75Tyr)

Gene: DIP2C (disco interacting protein 2 homolog C; minus strand). Cytogenetic location: 10p15.3.
Variant type: single nucleotide variant.
Coding change: c.223C>T on transcript NM_014974.3 (MANE Select); coding-DNA position 223, C replaced by T.
Protein change: p.His75Tyr; replaces histidine 75 with tyrosine.
Molecular consequence: missense variant.
Genome position (GRCh38, 1-based): chr10:472,484, G>A on the plus strand (C>T on the coding strand, the complement: DIP2C is on the minus strand). VCF-style: chr10-472484-G-A. GRCh37 (hg19) VCF-style: chr10-518424-G-A.
Other names: short protein forms H75Y.
Identifiers: ClinVar variation 3765903 (VCV003765903.1).

ClinVar aggregate classification (germline): Uncertain significance (1 of 4 stars; one submission).

Submission:

GeneDx
Classification: Uncertain significance. Last evaluated: 2024-08-28. Review status: criteria provided, single submitter. Criteria: GeneDx Variant Classification Process June 2021. Collection method: clinical testing. Allele origin: germline. Affected: yes.
Comment: Not observed at significant frequency in large population cohorts (gnomAD); In silico analysis supports that this missense variant has a deleterious effect on protein structure/function; Has not been previously published as pathogenic or benign to our knowledge